The following is an entry in ClinVar:

ClinVar aggregate classification (germline): Uncertain significance (1 of 4 stars; one submission).

gnomAD v4.1: 2 of 1,608,256 alleles (0.00012%); highest among the groups gnomAD compares: African/African-American, 0.0013%; no homozygotes.

Submission:

Labcorp Genetics (formerly Invitae), Labcorp
Classification: Uncertain significance. Last evaluated: 2025-08-13. Review status: criteria provided, single submitter. Criteria: Invitae Variant Classification Sherloc (09022015). Collection method: clinical testing. Allele origin: germline.
Comment: This sequence change replaces leucine, which is neutral and non-polar, with isoleucine, which is neutral and non-polar, at codon 138 of the GUF1 protein (p.Leu138Ile). This variant is not present in population databases (gnomAD no frequency). This variant has not been reported in the literature in individuals affected with GUF1-related conditions. Invitae Evidence Modeling of protein sequence and biophysical properties (such as structural, functional, and spatial information, amino acid conservation, physicochemical variation, residue mobility, and thermodynamic stability) indicates that this missense variant is not expected to disrupt GUF1 protein function with a negative predictive value of 80%. In summary, the available evidence is currently insufficient to determine the role of this variant in disease. Therefore, it has been classified as a Variant of Uncertain Significance.

NM_021927.3(GUF1):c.412C>A (p.Leu138Ile)

Gene: GUF1 (GTP binding elongation factor GUF1; plus strand). Cytogenetic location: 4p12.
Variant type: single nucleotide variant.
Coding change: c.412C>A on transcript NM_021927.3 (MANE Select); coding-DNA position 412, C replaced by A.
Protein change: p.Leu138Ile; replaces leucine 138 with isoleucine.
Molecular consequence: missense variant. On other transcripts: 5 prime UTR variant (2).
Genome position (GRCh38, 1-based): chr4:44,680,828, C>A. VCF-style: chr4-44680828-C-A. GRCh37 (hg19) VCF-style: chr4-44682845-C-A.
Other names: c.-557C>A (NM_001345867.2); c.412C>A, p.Leu138Ile (NM_001345868.2); c.-561C>A (NM_001345869.2); short protein forms L138I.
Identifiers: ClinVar variation 4750529 (VCV004750529.1).